The following is an entry in ClinVar:

ClinVar aggregate classification (germline): Uncertain significance (1 of 4 stars; one submission).

Allele frequency attached by ClinVar (database versions not stated): TOPMed 0.00001.
gnomAD v4.1: 1 of 1,613,538 alleles (0.000062%); highest among the groups gnomAD compares: Non-Finnish European, 0.000085%; no homozygotes.

Submission:

Labcorp Genetics (formerly Invitae), Labcorp
Classification: Uncertain significance. Last evaluated: 2019-10-31. Review status: criteria provided, single submitter. Criteria: Invitae Variant Classification Sherloc (09022015). Collection method: clinical testing. Allele origin: germline.
Comment: This sequence change replaces aspartic acid with glutamic acid at codon 24 of the RIMS1 protein (p.Asp24Glu). The aspartic acid residue is moderately conserved and there is a small physicochemical difference between aspartic acid and glutamic acid. This variant is not present in population databases (ExAC no frequency). This variant has not been reported in the literature in individuals with RIMS1-related conditions. Algorithms developed to predict the effect of missense changes on protein structure and function are either unavailable or do not agree on the potential impact of this missense change (SIFT: "Deleterious"; PolyPhen-2: "Probably Damaging"; Align-GVGD: "Class C0"). In summary, the available evidence is currently insufficient to determine the role of this variant in disease. Therefore, it has been classified as a Variant of Uncertain Significance.

NM_014989.7(RIMS1):c.72C>G (p.Asp24Glu)

Gene: RIMS1 (regulating synaptic membrane exocytosis 1; plus strand). Cytogenetic location: 6q13.
Variant type: single nucleotide variant.
Coding change: c.72C>G on transcript NM_014989.7 (MANE Select); coding-DNA position 72, C replaced by G.
Protein change: p.Asp24Glu; replaces aspartic acid 24 with glutamic acid.
Molecular consequence: missense variant.
Genome position (GRCh38, 1-based): chr6:71,887,095, C>G. VCF-style: chr6-71887095-C-G. GRCh37 (hg19) VCF-style: chr6-72596798-C-G.
Other names: c.72C>G, p.Asp24Glu (NM_001350411.1, NM_001350412.1, NM_001350413.1); short protein forms D24E.
Identifiers: ClinVar variation 965183 (VCV000965183.9), dbSNP rs760113036, ClinGen allele CA364817786.